The following is an entry in ClinVar:

NM_000059.4(BRCA2):c.3877A>C (p.Ile1293Leu)

Gene: BRCA2 (BRCA2 DNA repair associated; plus strand). Cytogenetic location: 13q13.1.
Variant type: single nucleotide variant.
Coding change: c.3877A>C on transcript NM_000059.4 (MANE Select); coding-DNA position 3877, A replaced by C.
Protein change: p.Ile1293Leu; replaces isoleucine 1293 with leucine.
Molecular consequence: missense variant.
Genome position (GRCh38, 1-based): chr13:32,338,232, A>C. VCF-style: chr13-32338232-A-C. GRCh37 (hg19) VCF-style: chr13-32912369-A-C.
Other names: short protein forms I1293L.
Identifiers: ClinVar variation 232490 (VCV000232490.12), dbSNP rs876659799, ClinGen allele CA10579593.

ClinVar aggregate classification (germline): Conflicting classifications of pathogenicity. Review status: criteria provided, conflicting classifications (1 of 4 stars). 5 submissions from 5 submitters: Uncertain significance (3); Likely benign (2). Last evaluated 2025-08-19.

Conditions:
Hereditary breast ovarian cancer syndrome. Also called: Hereditary breast and ovarian cancer syndrome; BRCA1- and BRCA2-Associated Hereditary Breast and Ovarian Cancer; Breast and ovarian cancer; Hereditary breast and/or ovarian cancer syndrome; Hereditary breast and ovarian cancer; Hereditary breast and ovarian cancer syndrome (HBOC). Identifiers: Orphanet 145, MedGen C0677776, MeSH D061325, MONDO:0003582. Disease mechanism: loss of function.
Hereditary cancer-predisposing syndrome. Also called: Neoplastic Syndromes, Hereditary; Tumor predisposition; Hereditary Cancer Syndrome; Hereditary neoplastic syndrome. Identifiers: Orphanet 140162, MedGen C0027672, MeSH D009386, MONDO:0015356.

Allele frequency attached by ClinVar (database versions not stated): gnomAD exomes below 0.00001.
gnomAD v4.1: 1 of 1,541,304 alleles (0.000065%); highest among the groups gnomAD compares: Non-Finnish European, 0.000088%; no homozygotes.

Submissions (5):

Color Diagnostics, LLC DBA Color Health
Classification: Likely benign for Hereditary cancer-predisposing syndrome. Last evaluated: 2025-08-19. Review status: criteria provided, single submitter. Criteria: ACMG Guidelines, 2015. Collection method: clinical testing. Allele origin: germline.

Ambry Genetics
Classification: Uncertain significance for Hereditary cancer-predisposing syndrome. Last evaluated: 2025-03-02. Review status: criteria provided, single submitter. Criteria: Ambry Variant Classification Scheme 2023. Collection method: clinical testing. Allele origin: germline.
Comment: The p.I1293L variant (also known as c.3877A>C), located in coding exon 10 of the BRCA2 gene, results from an A to C substitution at nucleotide position 3877. The isoleucine at codon 1293 is replaced by leucine, an amino acid with highly similar properties. This amino acid position is poorly conserved in available vertebrate species. In addition, this alteration is predicted to be tolerated by in silico analysis. Since supporting evidence is limited at this time, the clinical significance of this alteration remains unclear.

Labcorp Genetics (formerly Invitae), Labcorp
Classification: Uncertain significance for Hereditary breast ovarian cancer syndrome. Last evaluated: 2024-05-23. Review status: criteria provided, single submitter. Criteria: Invitae Variant Classification Sherloc (09022015). Collection method: clinical testing. Allele origin: germline.
Comment: This sequence change replaces isoleucine, which is neutral and non-polar, with leucine, which is neutral and non-polar, at codon 1293 of the BRCA2 protein (p.Ile1293Leu). This variant is not present in population databases (gnomAD no frequency). This variant has not been reported in the literature in individuals affected with BRCA2-related conditions. ClinVar contains an entry for this variant (Variation ID: 232490). Advanced modeling of protein sequence and biophysical properties (such as structural, functional, and spatial information, amino acid conservation, physicochemical variation, residue mobility, and thermodynamic stability) performed at Invitae indicates that this missense variant is not expected to disrupt BRCA2 protein function with a negative predictive value of 95%. In summary, the available evidence is currently insufficient to determine the role of this variant in disease. Therefore, it has been classified as a Variant of Uncertain Significance.

University of Washington Department of Laboratory Medicine, University of Washington
Classification: Likely benign for Hereditary cancer-predisposing syndrome. Last evaluated: 2023-03-23. Review status: criteria provided, single submitter. Criteria: Dines et al. (Genet Med. 2020). Collection method: curation. Allele origin: germline.
Comment: Missense variant in a coldspot region where missense variants are very unlikely to be pathogenic (PMID:31911673).

BRCA2 exon 11 coldspot. Reclassification based on statistical prior probability.

GeneDx
Classification: Uncertain significance. Last evaluated: 2015-05-20. Review status: criteria provided, single submitter. Criteria: GeneDx Variant Classification (06012015). Collection method: clinical testing. Allele origin: germline. Affected: yes.
Comment: This variant is denoted BRCA2 c.3877A>C at the cDNA level, p.Ile1293Leu (I1293L) at the protein level, and results in the change of an Isoleucine to a Leucine (ATA>CTA). Using alternate nomenclature, this variant would be defined as BRCA2 4105A>C. This variant has not, to our knowledge, been published in the literature as pathogenic or benign. BRCA2 Ile1293Leu was not observed in approximately 6,500 individuals of European and African American ancestry in the NHLBI Exome Sequencing Project, indicating it is not a common benign variant in these populations. Since Isoleucine and Leucine share similar properties, this is considered a conservative amino acid substitution. BRCA2 Ile1293Leu occurs at a position that is not conserved and is not located in a known functional domain (Narod 2004, Borg 2010, Roy 2012). In silico analyses predict that this variant is unlikely to alter protein structure or function. Based on currently available information, it is unclear whether BRCA2 Ile1293Leu is pathogenic or benign. We consider it to be a variant of uncertain significance.